The following is an entry in ClinVar:

NM_004304.5(ALK):c.596G>T (p.Gly199Val)

Gene: ALK (ALK receptor tyrosine kinase; minus strand). Cytogenetic location: 2p23.1.
Variant type: single nucleotide variant.
Coding change: c.596G>T on transcript NM_004304.5 (MANE Select); coding-DNA position 596, G replaced by T.
Protein change: p.Gly199Val; replaces glycine 199 with valine.
Molecular consequence: missense variant.
Genome position (GRCh38, 1-based): chr2:29,920,064, C>A on the plus strand (G>T on the coding strand, the complement: ALK is on the minus strand). VCF-style: chr2-29920064-C-A. GRCh37 (hg19) VCF-style: chr2-30142930-C-A.
Other names: short protein forms G199V.
Identifiers: ClinVar variation 1750781 (VCV001750781.4), dbSNP rs1292996434, ClinGen allele CA346589720.

ClinVar aggregate classification (germline): Uncertain significance. Review status: criteria provided, multiple submitters, no conflicts (2 of 4 stars). 2 submissions from 2 submitters: Uncertain significance (2). Last evaluated 2025-12-09.

Conditions:
Hereditary cancer-predisposing syndrome. Also called: Neoplastic Syndromes, Hereditary; Tumor predisposition; Hereditary neoplastic syndrome; Hereditary Cancer Syndrome. Identifiers: Orphanet 140162, MedGen C0027672, MeSH D009386, MONDO:0015356.
Neuroblastoma, susceptibility to, 3. Also called: ALK-Related Neuroblastic Tumor Susceptibility. Identifiers: Orphanet 635, MedGen C2751681, MONDO:0013083, OMIM 613014.

Allele frequency attached by ClinVar (database versions not stated): gnomAD 0.00001; TOPMed 0.00001.
gnomAD v4.1: 3 of 1,614,092 alleles (0.00019%); highest among the groups gnomAD compares: Admixed American, 0.0017%; no homozygotes.

Submissions (2):

Labcorp Genetics (formerly Invitae), Labcorp
Classification: Uncertain significance for Neuroblastoma, susceptibility to, 3. Last evaluated: 2025-12-09. Review status: criteria provided, single submitter. Criteria: Invitae Variant Classification Sherloc (09022015). Collection method: clinical testing. Allele origin: germline.
Comment: This sequence change replaces glycine, which is neutral and non-polar, with valine, which is neutral and non-polar, at codon 199 of the ALK protein (p.Gly199Val). This variant is present in population databases (no rsID available, gnomAD 0.003%). This variant has not been reported in the literature in individuals affected with ALK-related conditions. ClinVar contains an entry for this variant (Variation ID: 1750781). An algorithm developed to predict the effect of missense changes on protein structure and function (PolyPhen-2) suggests that this variant is likely to be disruptive. In summary, the available evidence is currently insufficient to determine the role of this variant in disease. Therefore, it has been classified as a Variant of Uncertain Significance.

Ambry Genetics
Classification: Uncertain significance for Hereditary cancer-predisposing syndrome. Last evaluated: 2024-03-22. Review status: criteria provided, single submitter. Criteria: Ambry Variant Classification Scheme 2023. Collection method: clinical testing. Allele origin: germline.
Comment: The p.G199V variant (also known as c.596G>T), located in coding exon 1 of the ALK gene, results from a G to T substitution at nucleotide position 596. The glycine at codon 199 is replaced by valine, an amino acid with dissimilar properties. This amino acid position is conserved. In addition, this alteration is predicted to be deleterious by in silico analysis. Since supporting evidence is limited at this time, the clinical significance of this alteration remains unclear.